The following is an entry in ClinVar:

NM_004592.4(SFSWAP):c.2637C>T (p.Pro879=)

Gene: SFSWAP (splicing factor SWAP; plus strand). Cytogenetic location: 12q24.33.
Variant type: single nucleotide variant.
Coding change: c.2637C>T on transcript NM_004592.4 (MANE Select); coding-DNA position 2637, C replaced by T.
Protein change: p.Pro879=; no amino-acid change (proline 879 retained).
Molecular consequence: synonymous variant.
Genome position (GRCh38, 1-based): chr12:131,797,280, C>T. VCF-style: chr12-131797280-C-T. GRCh37 (hg19) VCF-style: chr12-132281825-C-T.
Other names: c.2793C>T, p.Pro931= (NM_001261411.2).
Identifiers: ClinVar variation 2643606 (VCV002643606.24), dbSNP rs140589847, ClinGen allele CA6881475.

ClinVar aggregate classification (germline): Likely benign (1 of 4 stars; one submission).

Allele frequency attached by ClinVar (database versions not stated): 1000 Genomes Project 0.00220; ESP Exome Variant Server 0.00465; TOPMed 0.00467; gnomAD 0.00489; ExAC 0.00508.
gnomAD v4.1: 10,744 of 1,611,266 alleles (0.67%); highest among the groups gnomAD compares: Non-Finnish European, 0.77%; 44 homozygotes.

Submission:

CeGaT Center for Human Genetics Tuebingen
Classification: Likely benign. Last evaluated: 2022-11-01. Review status: criteria provided, single submitter. Criteria: CeGaT Center For Human Genetics Tuebingen Variant Classification Criteria Version 2. Collection method: clinical testing. Allele origin: germline. Affected: yes. Observed: 1 variant allele.
Comment: SFSWAP: BP4, BP7, BS2